The following is an entry in ClinVar:

NM_138713.4(NFAT5):c.1690+73A>T

Gene: NFAT5 (nuclear factor of activated T cells 5; plus strand). Cytogenetic location: 16q22.1.
Variant type: single nucleotide variant.
Coding change: c.1690+73A>T on transcript NM_138713.4 (MANE Select); 73 bases into the intron after coding-DNA position 1690, A replaced by T.
Molecular consequence: intron variant.
Genome position (GRCh38, 1-based): chr16:69,677,408, A>T. VCF-style: chr16-69677408-A-T. GRCh37 (hg19) VCF-style: chr16-69711311-A-T.
Other names: c.1408+73A>T (NM_138714.4, NM_173214.3, NM_173215.3); c.1690+73A>T (NM_001113178.3); c.1636+73A>T (NM_006599.4); c.1018+73A>T (NM_001367709.1).
Identifiers: ClinVar variation 2628171 (VCV002628171.2), dbSNP rs3743673, ClinGen allele CA14328792.

ClinVar aggregate classification (germline): Benign (1 of 4 stars; one submission).

Allele frequency attached by ClinVar (database versions not stated): gnomAD exomes 0.20580; gnomAD 0.21906; TOPMed 0.22989; 1000 Genomes Project 30x 0.28498; 1000 Genomes Project 0.29173.

Submission:

Unidad de Genómica Garrahan, Hospital de Pediatría Garrahan
Classification: Benign. Last evaluated: 2023-11-12. Review status: criteria provided, single submitter. Criteria: ACMG Guidelines, 2015. Collection method: clinical testing. Allele origin: germline. Affected: no. Observed: 49 variant alleles.
Comment: This variant is classified as Benign based on local population frequency. This variant was detected in 51% of patients studied by a panel of primary immunodeficiencies. Number of patients: 49. Only high quality variants are reported.